The following is an entry in ClinVar:

ClinVar aggregate classification (germline): Benign/Likely benign. Review status: criteria provided, multiple submitters, no conflicts (2 of 4 stars). 9 submissions from 9 submitters: Benign (4); Likely benign (2). 3 of the submissions do not count toward it. Last evaluated 2026-08-01.

Conditions:
Protoporphyria, erythropoietic, 1 (EPP1). Also called: Erythropoietic Protoporphyria, Autosomal Recessive; HEME SYNTHETASE DEFICIENCY; FERROCHELATASE DEFICIENCY. Identifiers: Orphanet 79278, MedGen C4692546, MONDO:0008319, OMIM 177000.

Allele frequency attached by ClinVar (database versions not stated): TOPMed 0.01974; 1000 Genomes Project 30x 0.02592; 1000 Genomes Project 0.02696.
gnomAD v4.1: 34,927 of 1,613,968 alleles (2.2%); highest among the groups gnomAD compares: South Asian, 4.6%; 508 homozygotes.

Submissions (9):

CeGaT Center for Human Genetics Tuebingen
Classification: Benign. Last evaluated: 2026-08-01. Review status: criteria provided, single submitter. Criteria: CeGaT Center For Human Genetics Tuebingen Variant Classification Criteria Version 2. Collection method: clinical testing. Allele origin: germline. Affected: yes. Observed: 6 variant alleles.
Comment: FECH: BS1, BS2

Labcorp Genetics (formerly Invitae), Labcorp
Classification: Benign. Last evaluated: 2026-02-04. Review status: criteria provided, single submitter. Criteria: Invitae Variant Classification Sherloc (09022015). Collection method: clinical testing. Allele origin: germline.

Mayo Clinic Laboratories, Mayo Clinic
Classification: Likely benign. Last evaluated: 2025-10-10. Review status: criteria provided, single submitter. Criteria: ACMG Guidelines, 2015. Collection method: clinical testing. Allele origin: germline. Observed: 13 variant alleles.
Comment: BA1, BS2

Mendelics
Classification: Benign for Protoporphyria, erythropoietic, 1. Last evaluated: 2019-05-28. Review status: criteria provided, single submitter. Criteria: Mendelics Assertion Criteria 2017. Collection method: clinical testing. Allele origin: unknown.

Laboratory for Molecular Medicine, Mass General Brigham Personalized Medicine
Classification: Benign. Last evaluated: 2016-03-28. Review status: criteria provided, single submitter. Criteria: LMM Criteria. Collection method: clinical testing. Allele origin: germline.
Comment: Variant identified in a genome or exome case(s) and assessed due to predicted null impact of the variant or pathogenic assertions in the literature or databases. Disclaimer: This variant has not undergone full assessment. The following are preliminary notes: 4.7% in South Asian with 37 homozygotes

Breakthrough Genomics
Classification: Likely benign. Review status: criteria provided, single submitter. Criteria: ACMG Guidelines, 2015. Collection method: not provided. Allele origin: germline. Inheritance: Autosomal recessive inheritance. Affected: yes.

OMIM
Classification: Pathogenic for PROTOPORPHYRIA, ERYTHROPOIETIC, 1. Last evaluated: 1991-12-16. Review status: no assertion criteria provided. Collection method: literature only. Allele origin: germline. Not counted in ClinVar's aggregate classification.

Clinical Genetics DNA and cytogenetics Diagnostics Lab, Erasmus MC, Erasmus Medical Center
Classification: Benign. Review status: no assertion criteria provided. Collection method: clinical testing. Allele origin: germline. Affected: yes. Study: VKGL Data-share Consensus. Not counted in ClinVar's aggregate classification.

Diagnostic Laboratory, Department of Genetics, University Medical Center Groningen
Classification: Likely benign. Review status: no assertion criteria provided. Collection method: clinical testing. Allele origin: germline. Affected: yes. Study: VKGL Data-share Consensus. Not counted in ClinVar's aggregate classification.

Literature cited by the submitters: PubMed 1755842 (cited by OMIM).

NM_000140.5(FECH):c.163G>T (p.Gly55Cys)

Gene: FECH (ferrochelatase; minus strand). Cytogenetic location: 18q21.31.
Variant type: single nucleotide variant.
Coding change: c.163G>T on transcript NM_000140.5 (MANE Select); coding-DNA position 163, G replaced by T.
Protein change: p.Gly55Cys; replaces glycine 55 with cysteine.
Molecular consequence: missense variant. On other transcripts: 5 prime UTR variant (1).
Genome position (GRCh38, 1-based): chr18:57,580,104, C>A on the plus strand (G>T on the coding strand, the complement: FECH is on the minus strand). VCF-style: chr18-57580104-C-A. GRCh37 (hg19) VCF-style: chr18-55247336-C-A.
Other names: c.163G>T, p.Gly55Cys (NM_001012515.4, NM_001371094.1, NM_001374778.1); c.-54G>T (NM_001371095.1); short protein forms G55C.
Identifiers: ClinVar variation 548 (VCV000000548.50), dbSNP rs3848519, ClinGen allele CA251503.